The following is an entry in ClinVar:

ClinVar aggregate classification (germline): Conflicting classifications of pathogenicity. Review status: criteria provided, conflicting classifications (1 of 4 stars). 2 submissions from 2 submitters: Uncertain significance (1); Likely benign (1). Last evaluated 2025-02-24.

Allele frequency attached by ClinVar (database versions not stated): gnomAD 0.00001; gnomAD exomes 0.00006; ExAC 0.00012.
gnomAD v4.1: 88 of 1,614,000 alleles (0.0055%); highest among the groups gnomAD compares: South Asian, 0.09%; no homozygotes.

Submissions (2):

Labcorp Genetics (formerly Invitae), Labcorp
Classification: Uncertain significance. Last evaluated: 2025-02-24. Review status: criteria provided, single submitter. Criteria: Invitae Variant Classification Sherloc (09022015). Collection method: clinical testing. Allele origin: germline.
Comment: This sequence change replaces serine, which is neutral and polar, with glycine, which is neutral and non-polar, at codon 151 of the TSEN34 protein (p.Ser151Gly). This variant is present in population databases (rs770771466, gnomAD 0.1%), and has an allele count higher than expected for a pathogenic variant. This variant has not been reported in the literature in individuals affected with TSEN34-related conditions. ClinVar contains an entry for this variant (Variation ID: 1898954). An algorithm developed to predict the effect of missense changes on protein structure and function outputs the following: PolyPhen-2: "Benign". The glycine amino acid residue is found in multiple mammalian species, which suggests that this missense change does not adversely affect protein function. In summary, the available evidence is currently insufficient to determine the role of this variant in disease. Therefore, it has been classified as a Variant of Uncertain Significance.

Ambry Genetics
Classification: Likely benign. Last evaluated: 2023-02-23. Review status: criteria provided, single submitter. Criteria: Ambry Variant Classification Scheme 2023. Collection method: clinical testing. Allele origin: germline.

NM_001077446.4(TSEN34):c.451A>G (p.Ser151Gly)

Gene: TSEN34 (tRNA splicing endonuclease subunit 34; plus strand). Cytogenetic location: 19q13.42.
Variant type: single nucleotide variant.
Coding change: c.451A>G on transcript NM_001077446.4 (MANE Select); coding-DNA position 451, A replaced by G.
Protein change: p.Ser151Gly; replaces serine 151 with glycine.
Molecular consequence: missense variant.
Genome position (GRCh38, 1-based): chr19:54,191,928, A>G. VCF-style: chr19-54191928-A-G. GRCh37 (hg19) VCF-style: chr19-54695779-A-G.
Other names: c.451A>G (NM_024075.3); c.451A>G, p.Ser151Gly (NM_001282332.2, NM_001282333.2, NM_001386740.1 and 1 more transcripts); short protein forms S151G.
Identifiers: ClinVar variation 1898954 (VCV001898954.7), dbSNP rs770771466, ClinGen allele CA309374087.